The following is an entry in ClinVar:

NM_000375.3(UROS):c.-224C>T

Gene: UROS (uroporphyrinogen III synthase; minus strand). Cytogenetic location: 10q26.2.
Variant type: single nucleotide variant.
Coding change: c.-224C>T on transcript NM_000375.3 (MANE Select); 224 bases upstream of the start codon, C replaced by T.
Molecular consequence: 5 prime UTR variant. On other transcripts: non-coding transcript variant (4).
Genome position (GRCh38, 1-based): chr10:125,823,226, G>A on the plus strand (C>T on the coding strand, the complement: UROS is on the minus strand). VCF-style: chr10-125823226-G-A. GRCh37 (hg19) VCF-style: chr10-127511795-G-A.
Other names: c.-224C>T (NM_001324036.2, NM_001324037.2, NM_001324038.2 and 1 more transcripts).
Identifiers: ClinVar variation 877640 (VCV000877640.4), dbSNP rs1854170338, ClinGen allele CA1139661719.

ClinVar aggregate classification (germline): Uncertain significance (1 of 4 stars; one submission).

Conditions:
Congenital erythropoietic porphyria. Also called: Porphyria, Erythropoietic; Congenital porphyria; Günther disease; Uroporphyrinogen III synthase, deficiency of; UROPORPHYRINOGEN III SYNTHASE DEFICIENCY; GUNTHER DISEASE. Identifiers: Orphanet 79277, MedGen C5886774, MONDO:0009902, OMIM 263700.

Allele frequency attached by ClinVar (database versions not stated): gnomAD exomes 0.00001.
gnomAD v4.1: 1 of 232,268 alleles (0.00043%); highest among the groups gnomAD compares: Non-Finnish European, 0.00084%; no homozygotes.

Submission:

Illumina Laboratory Services, Illumina
Classification: Uncertain significance for Congenital erythropoietic porphyria. Last evaluated: 2017-04-28. Review status: criteria provided, single submitter. Criteria: ICSL Variant Classification Criteria 13 December 2019. Collection method: clinical testing. Allele origin: germline.
Comment: This variant was observed as part of a predisposition screen in an ostensibly healthy population. A literature search was performed for the gene, cDNA change, and amino acid change (where applicable). Publications were found based on this search. However, the evidence from the literature, in combination with allele frequency data from public databases where available, was not sufficient to rule this variant in or out of causing disease. Therefore, this variant is classified as a variant of unknown significance.

Literature cited by the submitters: PubMed 11254675.